The following is an entry in ClinVar:

NM_020750.3(XPO5):c.605A>G (p.Asn202Ser)

Gene: XPO5 (exportin 5; minus strand). Cytogenetic location: 6p21.1.
Variant type: single nucleotide variant.
Coding change: c.605A>G on transcript NM_020750.3 (MANE Select); coding-DNA position 605, A replaced by G.
Protein change: p.Asn202Ser; replaces asparagine 202 with serine.
Molecular consequence: missense variant. On other transcripts: non-coding transcript variant (1).
Genome position (GRCh38, 1-based): chr6:43,570,518, T>C on the plus strand (A>G on the coding strand, the complement: XPO5 is on the minus strand). VCF-style: chr6-43570518-T-C. GRCh37 (hg19) VCF-style: chr6-43538255-T-C.
Other names: short protein forms N202S.
Identifiers: ClinVar variation 2202579 (VCV002202579.4), dbSNP rs376311596, ClinGen allele CA138308596.

ClinVar aggregate classification (germline): Uncertain significance (1 of 4 stars; one submission).

Allele frequency attached by ClinVar (database versions not stated): gnomAD 0.00001; gnomAD exomes 0.00001; TOPMed 0.00002; ESP Exome Variant Server 0.00008.
gnomAD v4.1: 14 of 1,613,206 alleles (0.00087%); highest among the groups gnomAD compares: Non-Finnish European, 0.0012%; no homozygotes.

Submission:

Labcorp Genetics (formerly Invitae), Labcorp
Classification: Uncertain significance. Last evaluated: 2025-05-12. Review status: criteria provided, single submitter. Criteria: Invitae Variant Classification Sherloc (09022015). Collection method: clinical testing. Allele origin: germline.
Comment: This sequence change replaces asparagine, which is neutral and polar, with serine, which is neutral and polar, at codon 202 of the XPO5 protein (p.Asn202Ser). This variant is present in population databases (rs376311596, gnomAD 0.002%). This variant has not been reported in the literature in individuals affected with XPO5-related conditions. ClinVar contains an entry for this variant (Variation ID: 2202579). An algorithm developed to predict the effect of missense changes on protein structure and function (PolyPhen-2) suggests that this variant is likely to be tolerated. Algorithms developed to predict the effect of sequence changes on RNA splicing suggest that this variant may disrupt the consensus splice site. In summary, the available evidence is currently insufficient to determine the role of this variant in disease. Therefore, it has been classified as a Variant of Uncertain Significance.